The following is an entry in ClinVar:

ClinVar aggregate classification (germline): Likely benign. Review status: criteria provided, single submitter (1 of 4 stars). 2 submissions from 2 submitters: Likely benign (1). 1 of the submissions does not count toward it. Last evaluated 2021-12-08.

Conditions:
DLX6-related disorder. Also called: DLX6-related condition.

Allele frequency attached by ClinVar (database versions not stated): gnomAD 0.00001.
gnomAD v4.1: 10 of 1,570,294 alleles (0.00064%); highest among the groups gnomAD compares: East Asian, 0.0048%; no homozygotes.

Submissions (2):

Labcorp Genetics (formerly Invitae), Labcorp
Classification: Likely benign. Last evaluated: 2021-12-08. Review status: criteria provided, single submitter. Criteria: Invitae Variant Classification Sherloc (09022015). Collection method: clinical testing. Allele origin: germline.

PreventionGenetics, part of Exact Sciences
Classification: Likely benign for DLX6-related condition. Last evaluated: 2021-07-08. Review status: no assertion criteria provided. Collection method: clinical testing. Allele origin: germline. Not counted in ClinVar's aggregate classification.
Comment: This variant is classified as likely benign based on ACMG/AMP sequence variant interpretation guidelines (Richards et al. 2015 PMID: 25741868, with internal and published modifications).

NM_005222.4(DLX6):c.93G>A (p.Gln31=)

Genes: DLX6 (distal-less homeobox 6; plus strand), DLX6-AS1 (DLX6 antisense RNA 1; minus strand). Cytogenetic location: 7q21.3.
Variant type: single nucleotide variant.
Coding change: c.93G>A on transcript NM_005222.4 (MANE Select); coding-DNA position 93, G replaced by A.
Protein change: p.Gln31=; no amino-acid change (glutamine 31 retained).
Molecular consequence: synonymous variant.
Genome position (GRCh38, 1-based): chr7:97,006,070, G>A. VCF-style: chr7-97006070-G-A. GRCh37 (hg19) VCF-style: chr7-96635382-G-A.
Other names: c.93G>A (NM_005222.3).
Identifiers: ClinVar variation 2041446 (VCV002041446.6), dbSNP rs191859647, ClinGen allele CA163003247.